The following is an entry in ClinVar:

NM_001184.4(ATR):c.7463G>A (p.Gly2488Asp)

Gene: ATR (ATR serine/threonine kinase; minus strand). Cytogenetic location: 3q23.
Variant type: single nucleotide variant.
Coding change: c.7463G>A on transcript NM_001184.4 (MANE Select); coding-DNA position 7463, G replaced by A.
Protein change: p.Gly2488Asp; replaces glycine 2488 with aspartic acid.
Molecular consequence: missense variant.
Genome position (GRCh38, 1-based): chr3:142,458,998, C>T on the plus strand (G>A on the coding strand, the complement: ATR is on the minus strand). VCF-style: chr3-142458998-C-T. GRCh37 (hg19) VCF-style: chr3-142177840-C-T.
Other names: c.7271G>A, p.Gly2424Asp (NM_001354579.2); short protein forms G2424D, G2488D.
Identifiers: ClinVar variation 3462665 (VCV003462665.1).
Genomic context (GRCh38, chr3:142,458,998, plus strand): 5'-GAGTAACTCATATCACATACCTTATTGAAAAGACAATTGAAATCTACATGTACGCATTCA[C>T]CAGTCAAAGAATCAAAGAGAATATTTTCACCATGACGGTCTCCAAGCCCCAGAATATAAC-3'
Protein context (NP_001175.2, residues 2478-2498): GENILFDSLT[Gly2488Asp]ECVHVDFNCL

ClinVar aggregate classification (germline): Uncertain significance (1 of 4 stars; one submission).

Conditions:
Inborn genetic diseases. Identifiers: MedGen C0950123, MeSH D030342.

gnomAD v4.1: 2 of 1,613,824 alleles (0.00012%); highest among the groups gnomAD compares: Non-Finnish European, 0.00017%; no homozygotes.

Submission:

Ambry Genetics
Classification: Uncertain significance for Inborn genetic diseases. Last evaluated: 2024-09-12. Review status: criteria provided, single submitter. Criteria: Ambry Variant Classification Scheme 2023. Collection method: clinical testing. Allele origin: germline.
Comment: The p.G2488D variant (also known as c.7463G>A), located in coding exon 44 of the ATR gene, results from a G to A substitution at nucleotide position 7463. The glycine at codon 2488 is replaced by aspartic acid, an amino acid with similar properties. This amino acid position is conserved. In addition, this alteration is predicted to be deleterious by in silico analysis. Based on the available evidence, the clinical significance of this variant remains unclear.